The following is an entry in ClinVar:

ClinVar aggregate classification (germline): Uncertain significance (1 of 4 stars; one submission).

Conditions:
Hereditary cancer-predisposing syndrome. Also called: Hereditary Cancer Syndrome; Hereditary neoplastic syndrome; Neoplastic Syndromes, Hereditary; Tumor predisposition. Identifiers: Orphanet 140162, MedGen C0027672, MeSH D009386, MONDO:0015356.

Submission:

Ambry Genetics
Classification: Uncertain significance for Hereditary cancer-predisposing syndrome. Last evaluated: 2020-03-20. Review status: criteria provided, single submitter. Criteria: Ambry Variant Classification Scheme 2023. Collection method: clinical testing. Allele origin: germline.
Comment: The p.K500Q variant (also known as c.1498A>C), located in coding exon 8 of the DICER1 gene, results from an A to C substitution at nucleotide position 1498. The lysine at codon 500 is replaced by glutamine, an amino acid with similar properties. This amino acid position is highly conserved in available vertebrate species. In addition, the in silico prediction for this alteration is inconclusive. Since supporting evidence is limited at this time, the clinical significance of this alteration remains unclear.

NM_177438.3(DICER1):c.1498A>C (p.Lys500Gln)

Gene: DICER1 (dicer 1, ribonuclease III; minus strand). Cytogenetic location: 14q32.13.
Variant type: single nucleotide variant.
Coding change: c.1498A>C on transcript NM_177438.3 (MANE Select); coding-DNA position 1498, A replaced by C.
Protein change: p.Lys500Gln; replaces lysine 500 with glutamine.
Molecular consequence: missense variant. On other transcripts: 5 prime UTR variant (1), non-coding transcript variant (6).
Genome position (GRCh38, 1-based): chr14:95,117,633, T>G on the plus strand (A>C on the coding strand, the complement: DICER1 is on the minus strand). VCF-style: chr14-95117633-T-G. GRCh37 (hg19) VCF-style: chr14-95583970-T-G.
Other names: c.1498A>C, p.Lys500Gln (NM_001195573.1, NM_001271282.3, NM_001291628.2 and 13 more transcripts); c.1216A>C, p.Lys406Gln (NM_001395686.1); c.1093A>C, p.Lys365Gln (NM_001395687.1, NM_001395688.1, NM_001395689.1 and 3 more transcripts); c.931A>C, p.Lys311Gln (NM_001395691.1); c.-71A>C (NM_001395697.1); short protein forms K311Q, K406Q, K500Q, K365Q.
Identifiers: ClinVar variation 1773917 (VCV001773917.2), dbSNP rs875989782, ClinGen allele CA390885411.